The following is an entry in ClinVar:

NM_015338.6(ASXL1):c.2431A>G (p.Asn811Asp)

Gene: ASXL1 (ASXL transcriptional regulator 1; plus strand). Cytogenetic location: 20q11.21.
Variant type: single nucleotide variant.
Coding change: c.2431A>G on transcript NM_015338.6 (MANE Select); coding-DNA position 2431, A replaced by G.
Protein change: p.Asn811Asp; replaces asparagine 811 with aspartic acid.
Molecular consequence: missense variant.
Genome position (GRCh38, 1-based): chr20:32,435,143, A>G. VCF-style: chr20-32435143-A-G. GRCh37 (hg19) VCF-style: chr20-31022946-A-G.
Other names: c.2248A>G, p.Asn750Asp (NM_001363734.1); short protein forms N750D, N811D.
Identifiers: ClinVar variation 2652254 (VCV002652254.24), dbSNP rs752916428, ClinGen allele CA9808619.

ClinVar aggregate classification (germline): Likely benign (1 of 4 stars; one submission).

Allele frequency attached by ClinVar (database versions not stated): gnomAD exomes below 0.00001; ExAC 0.00001; gnomAD 0.00001.
gnomAD v4.1: 5 of 1,613,824 alleles (0.00031%); highest among the groups gnomAD compares: African/African-American, 0.0013%; no homozygotes.

Submission:

CeGaT Center for Human Genetics Tuebingen
Classification: Likely benign. Last evaluated: 2022-12-01. Review status: criteria provided, single submitter. Criteria: CeGaT Center For Human Genetics Tuebingen Variant Classification Criteria Version 2. Collection method: clinical testing. Allele origin: germline. Affected: yes. Observed: 1 variant allele.
Comment: ASXL1: BP4